The following is an entry in ClinVar:

ClinVar aggregate classification (germline): Uncertain significance (1 of 4 stars; one submission).

Conditions:
Inborn genetic diseases. Identifiers: MedGen C0950123, MeSH D030342.

gnomAD v4.1: 5 of 1,609,766 alleles (0.00031%); highest among the groups gnomAD compares: Non-Finnish European, 0.00034%; no homozygotes.

Submission:

Ambry Genetics
Classification: Uncertain significance for Inborn genetic diseases. Last evaluated: 2025-11-26. Review status: criteria provided, single submitter. Criteria: Ambry Variant Classification Scheme 2023. Collection method: clinical testing. Allele origin: germline.
Comment: The c.1010A>G (p.Q337R) alteration is located in exon 11 (coding exon 9) of the KMT2E gene. This alteration results from a A to G substitution at nucleotide position 1010, causing the glutamine (Q) at amino acid position 337 to be replaced by an arginine (R). Based on data from gnomAD, the G allele has an overall frequency of <0.001% (1/248278) total alleles studied. The highest observed frequency was 0.001% (1/112660) of European (non-Finnish) alleles. Based on insufficient or conflicting evidence, the clinical significance of this alteration remains unclear.

NM_182931.3(KMT2E):c.1010A>G (p.Gln337Arg)

Gene: KMT2E (lysine methyltransferase 2E (inactive); plus strand). Cytogenetic location: 7q22.3.
Variant type: single nucleotide variant.
Coding change: c.1010A>G on transcript NM_182931.3 (MANE Select); coding-DNA position 1010, A replaced by G.
Protein change: p.Gln337Arg; replaces glutamine 337 with arginine.
Molecular consequence: missense variant.
Genome position (GRCh38, 1-based): chr7:105,077,313, A>G. VCF-style: chr7-105077313-A-G. GRCh37 (hg19) VCF-style: chr7-104717760-A-G.
Other names: c.1010A>G, p.Gln337Arg (NM_001410908.1, NM_018682.4); short protein forms Q337R.
Identifiers: ClinVar variation 4623160 (VCV004623160.1).